The following is an entry in ClinVar:

NM_014927.5(CNKSR2):c.1592A>C (p.Glu531Ala)

Gene: CNKSR2 (connector enhancer of kinase suppressor of Ras 2; plus strand). Cytogenetic location: Xp22.12.
Variant type: single nucleotide variant.
Coding change: c.1592A>C on transcript NM_014927.5 (MANE Select); coding-DNA position 1592, A replaced by C.
Protein change: p.Glu531Ala; replaces glutamic acid 531 with alanine.
Molecular consequence: missense variant.
Genome position (GRCh38, 1-based): chrX:21,563,436, A>C. VCF-style: chrX-21563436-A-C. GRCh37 (hg19) VCF-style: chrX-21581554-A-C.
Other names: c.1502A>C, p.Glu501Ala (NM_001168647.3, NM_001330773.2); c.1592A>C, p.Glu531Ala (NM_001168648.3); c.1445A>C, p.Glu482Ala (NM_001168649.3, NM_001330770.2); c.1355A>C, p.Glu452Ala (NM_001330771.2, NM_001330772.2); short protein forms E452A, E482A, E501A, E531A.
Identifiers: ClinVar variation 1707310 (VCV001707310.2), dbSNP rs2519215869, ClinGen allele CA412553081.

ClinVar aggregate classification (germline): Uncertain significance (1 of 4 stars; one submission).

Allele frequency attached by ClinVar (database versions not stated): gnomAD exomes below 0.00001.
gnomAD v4.1: 4 of 1,203,220 alleles (0.00033%); highest among the groups gnomAD compares: Non-Finnish European, 0.00045%; no homozygotes.

Submission:

GeneDx
Classification: Uncertain significance. Last evaluated: 2022-03-24. Review status: criteria provided, single submitter. Criteria: GeneDx Variant Classification Process June 2021. Collection method: clinical testing. Allele origin: germline. Affected: yes.
Comment: Not observed at significant frequency in large population cohorts (gnomAD); In silico analysis supports that this missense variant does not alter protein structure/function; Has not been previously published as pathogenic or benign to our knowledge